The following is an entry in ClinVar:

ClinVar aggregate classification (germline): Uncertain significance (1 of 4 stars; one submission).

Conditions:
Primary ciliary dyskinesia. Also called: Ciliary dyskinesia. Identifiers: Orphanet 244, MedGen C0008780, MONDO:0016575, HP:0012265.

Submission:

Ambry Genetics
Classification: Uncertain significance for Primary ciliary dyskinesia. Last evaluated: 2024-02-17. Review status: criteria provided, single submitter. Criteria: Ambry Variant Classification Scheme 2023. Collection method: clinical testing. Allele origin: germline.
Comment: The p.K3682E variant (also known as c.11044A>G), located in coding exon 65 of the DNAH5 gene, results from an A to G substitution at nucleotide position 11044. The lysine at codon 3682 is replaced by glutamic acid, an amino acid with similar properties. This amino acid position is conserved. In addition, the in silico prediction for this alteration is inconclusive. Based on the available evidence, the clinical significance of this alteration remains unclear.

NM_001369.3(DNAH5):c.11044A>G (p.Lys3682Glu)

Gene: DNAH5 (dynein axonemal heavy chain 5; minus strand). Cytogenetic location: 5p15.2.
Variant type: single nucleotide variant.
Coding change: c.11044A>G on transcript NM_001369.3 (MANE Select); coding-DNA position 11044, A replaced by G.
Protein change: p.Lys3682Glu; replaces lysine 3682 with glutamic acid.
Molecular consequence: missense variant.
Genome position (GRCh38, 1-based): chr5:13,751,245, T>C on the plus strand (A>G on the coding strand, the complement: DNAH5 is on the minus strand). VCF-style: chr5-13751245-T-C. GRCh37 (hg19) VCF-style: chr5-13751354-T-C.
Other names: short protein forms K3682E.
Identifiers: ClinVar variation 3221501 (VCV003221501.1), dbSNP rs2546608762, ClinGen allele CA359189369.